The following is an entry in ClinVar:

ClinVar aggregate classification (germline): not provided (0 of 4 stars; one submission).

Allele frequency attached by ClinVar (database versions not stated): gnomAD exomes below 0.00001.
gnomAD v4.1: 1 of 1,613,412 alleles (0.000062%); highest among the groups gnomAD compares: Non-Finnish European, 0.000085%; no homozygotes.

Submission:

ITMI
No classification provided. Condition: AllHighlyPenetrant. Last evaluated: 2013-09-19. Review status: no classification provided. Collection method: reference population. Allele origin: germline.
Comment: Please see associated publication for description of ethnicities

Literature cited by the submitters: PubMed 24728327.

NM_004972.4(JAK2):c.718T>C (p.Phe240Leu)

Genes: INSL6 (insulin like 6; minus strand), JAK2 (Janus kinase 2; plus strand). Cytogenetic location: 9p24.1.
Variant type: single nucleotide variant.
Coding change: c.718T>C on transcript NM_004972.4 (MANE Select); coding-DNA position 718, T replaced by C.
Protein change: p.Phe240Leu; replaces phenylalanine 240 with leucine.
Molecular consequence: missense variant. On other transcripts: 5 prime UTR variant (2), non-coding transcript variant (2).
Genome position (GRCh38, 1-based): chr9:5,054,666, T>C. VCF-style: chr9-5054666-T-C. GRCh37 (hg19) VCF-style: chr9-5054666-T-C.
Other names: c.718T>C, p.Phe240Leu (NM_001322194.2, NM_001322195.2, NM_001322196.2); c.-403T>C (NM_001322198.2, NM_001322199.2); c.271T>C, p.Phe91Leu (NM_001322204.2); short protein forms F240L, F91L.
Identifiers: ClinVar variation 134561 (VCV000134561.1), dbSNP rs587778412, ClinGen allele CA160189.